The following is an entry in ClinVar:

NM_032242.4(PLXNA1):c.1367G>A (p.Arg456His)

Gene: PLXNA1 (plexin A1; plus strand). Cytogenetic location: 3q21.3.
Variant type: single nucleotide variant.
Coding change: c.1367G>A on transcript NM_032242.4 (MANE Select); coding-DNA position 1367, G replaced by A.
Protein change: p.Arg456His; replaces arginine 456 with histidine.
Molecular consequence: missense variant.
Genome position (GRCh38, 1-based): chr3:126,991,556, G>A. VCF-style: chr3-126991556-G-A. GRCh37 (hg19) VCF-style: chr3-126710399-G-A.
Other names: short protein forms R456H.
Identifiers: ClinVar variation 4978437 (VCV004978437.1).

ClinVar aggregate classification (germline): Uncertain significance (1 of 4 stars; one submission).

Conditions:
PLXNA1-related disorder. Also called: PLXNA1-related condition.

gnomAD v4.1: 10 of 1,574,692 alleles (0.00064%); highest among the groups gnomAD compares: Non-Finnish European, 0.00087%; no homozygotes.

Submission:

PreventionGenetics, part of Exact Sciences
Classification: Uncertain significance for PLXNA1-related condition. Last evaluated: 2026-06-23. Review status: criteria provided, single submitter. Criteria: ACMG Guidelines, 2015. Collection method: clinical testing. Allele origin: germline.
Comment: The PLXNA1 c.1367G>A variant is predicted to result in the amino acid substitution p.Arg456His. To our knowledge, this variant has not been reported in the literature or in a large population database, indicating this variant is rare. At this time, the clinical significance of this variant is uncertain due to the absence of conclusive functional and genetic evidence.